The following is an entry in ClinVar:

ClinVar aggregate classification (germline): Uncertain significance (1 of 4 stars; one submission).

Allele frequency attached by ClinVar (database versions not stated): gnomAD exomes below 0.00001.
gnomAD v4.1: 1 of 1,613,952 alleles (0.000062%); highest among the groups gnomAD compares: Admixed American, 0.0017%; no homozygotes.

Submission:

Labcorp Genetics (formerly Invitae), Labcorp
Classification: Uncertain significance. Last evaluated: 2022-06-12. Review status: criteria provided, single submitter. Criteria: Invitae Variant Classification Sherloc (09022015). Collection method: clinical testing. Allele origin: germline.
Comment: Algorithms developed to predict the effect of missense changes on protein structure and function output the following: SIFT: "Deleterious"; PolyPhen-2: "Benign"; Align-GVGD: "Class C25". The valine amino acid residue is found in multiple mammalian species, which suggests that this missense change does not adversely affect protein function. This variant has not been reported in the literature in individuals affected with NBAS-related conditions. In summary, the available evidence is currently insufficient to determine the role of this variant in disease. Therefore, it has been classified as a Variant of Uncertain Significance. This sequence change replaces isoleucine, which is neutral and non-polar, with valine, which is neutral and non-polar, at codon 1210 of the NBAS protein (p.Ile1210Val). This variant is present in population databases (no rsID available, gnomAD 0.003%).

NM_015909.4(NBAS):c.3628A>G (p.Ile1210Val)

Gene: NBAS (NBAS subunit of NRZ tethering complex; minus strand). Cytogenetic location: 2p24.3.
Variant type: single nucleotide variant.
Coding change: c.3628A>G on transcript NM_015909.4 (MANE Select); coding-DNA position 3628, A replaced by G.
Protein change: p.Ile1210Val; replaces isoleucine 1210 with valine.
Molecular consequence: missense variant. On other transcripts: non-coding transcript variant (1).
Genome position (GRCh38, 1-based): chr2:15,374,683, T>C on the plus strand (A>G on the coding strand, the complement: NBAS is on the minus strand). VCF-style: chr2-15374683-T-C. GRCh37 (hg19) VCF-style: chr2-15514807-T-C.
Other names: short protein forms I1210V.
Identifiers: ClinVar variation 1929585 (VCV001929585.5), dbSNP rs1361597048, ClinGen allele CA345896100.